The following is an entry in ClinVar:

ClinVar aggregate classification (germline): Conflicting classifications of pathogenicity. Review status: criteria provided, conflicting classifications (1 of 4 stars). 9 submissions from 9 submitters: Uncertain significance (2); Benign (3); Likely benign (3). 1 of the submissions does not count toward it. Last evaluated 2026-02-02.

Conditions:
NEB-related disorder. Also called: NEB-related condition; NEB-Related Disorders.
Inborn genetic diseases. Identifiers: MedGen C0950123, MeSH D030342.
Nemaline myopathy 2 (NEM2). Also called: Nemaline myopathy 2, autosomal recessive. Identifiers: MedGen C1850569, MONDO:0009725, OMIM 256030.

Allele frequency attached by ClinVar (database versions not stated): gnomAD exomes 0.00023 and 0.00060; ExAC 0.00064; ESP Exome Variant Server 0.00193; gnomAD 0.00241 and 0.00257; TOPMed 0.00250; 1000 Genomes Project 0.00419; 1000 Genomes Project 30x 0.00437.
gnomAD v4.1: 719 of 1,613,920 alleles (0.045%); highest among the groups gnomAD compares: African/African-American, 0.82%; 4 homozygotes.

Submissions (9):

Labcorp Genetics (formerly Invitae), Labcorp
Classification: Likely benign for Nemaline myopathy 2. Last evaluated: 2026-02-02. Review status: criteria provided, single submitter. Criteria: Invitae Variant Classification Sherloc (09022015). Collection method: clinical testing. Allele origin: germline.

Ambry Genetics
Classification: Uncertain significance for Inborn genetic diseases. Last evaluated: 2025-08-08. Review status: criteria provided, single submitter. Criteria: Ambry Variant Classification Scheme 2023. Collection method: clinical testing. Allele origin: germline.

PreventionGenetics, part of Exact Sciences
Classification: Benign for NEB-related condition. Last evaluated: 2025-01-07. Review status: criteria provided, single submitter. Criteria: ACMG Guidelines, 2015. Collection method: clinical testing. Allele origin: germline.
Comment: This variant is classified as benign based on ACMG/AMP sequence variant interpretation guidelines (Richards et al. 2015 PMID: 25741868, with internal and published modifications).

GeneDx
Classification: Benign. Last evaluated: 2021-03-18. Review status: criteria provided, single submitter. Criteria: GeneDx Variant Classification Process June 2021. Collection method: clinical testing. Allele origin: germline. Affected: yes.

Mayo Clinic Laboratories, Mayo Clinic
Classification: Benign. Last evaluated: 2019-09-27. Review status: criteria provided, single submitter. Criteria: ACMG Guidelines, 2015. Collection method: clinical testing. Allele origin: germline. Observed: 1 variant allele.

Eurofins Ntd Llc (ga)
Classification: Likely benign. Last evaluated: 2018-05-16. Review status: criteria provided, single submitter. Criteria: EGL ClinVar v180209 classification definitions. Collection method: clinical testing. Allele origin: germline. Observed: 2 variant alleles, 2 heterozygotes.

Illumina Laboratory Services, Illumina
Classification: Likely benign for Nemaline myopathy 2. Last evaluated: 2018-01-12. Review status: criteria provided, single submitter. Criteria: ICSL Variant Classification Criteria 13 December 2019. Collection method: clinical testing. Allele origin: germline.
Comment: This variant was observed in the ICSL laboratory as part of a predisposition screen in an ostensibly healthy population. It had not been previously curated by ICSL or reported in the Human Gene Mutation Database (HGMD: prior to June 1st, 2018), and was therefore a candidate for classification through an automated scoring system. Utilizing variant allele frequency, disease prevalence and penetrance estimates, and inheritance mode, an automated score was calculated to assess if this variant is too frequent to cause the disease. Based on the score and internal cut-off values, a variant classified as likely benign is not then subjected to further curation. The score for this variant resulted in a classification of likely benign for this disease.

Genetic Services Laboratory, University of Chicago
Classification: Uncertain significance. Last evaluated: 2014-03-13. Review status: criteria provided, single submitter. Criteria: ACMG Guidelines, 2007. Collection method: clinical testing. Allele origin: germline. Inheritance: Autosomal recessive inheritance.

Natera, Inc.
Classification: Likely benign for Nemaline myopathy type 2. Last evaluated: 2020-07-27. Review status: no assertion criteria provided. Collection method: clinical testing. Allele origin: germline. Not counted in ClinVar's aggregate classification.

NM_001164508.2(NEB):c.10744G>A (p.Val3582Ile)

Gene: NEB (nebulin; minus strand). Cytogenetic location: 2q23.3.
Variant type: single nucleotide variant.
Coding change: c.10744G>A on transcript NM_001164508.2 (MANE Select); coding-DNA position 10744, G replaced by A.
Protein change: p.Val3582Ile; replaces valine 3582 with isoleucine.
Molecular consequence: missense variant.
Genome position (GRCh38, 1-based): chr2:151,619,579, C>T on the plus strand (G>A on the coding strand, the complement: NEB is on the minus strand). VCF-style: chr2-151619579-C-T. GRCh37 (hg19) VCF-style: chr2-152476093-C-T.
Other names: p.Val3582Ile; c.10744G>A, p.Val3582Ile (NM_001164507.2, NM_001271208.2); c.10015G>A, p.Val3339Ile (NM_004543.5); short protein forms V3582I, V3339I.
Identifiers: ClinVar variation 129705 (VCV000129705.32), dbSNP rs139798654, ClinGen allele CA231301.